The following is an entry in ClinVar:

ClinVar aggregate classification (germline): Conflicting classifications of pathogenicity. Review status: criteria provided, conflicting classifications (1 of 4 stars). 12 submissions from 11 submitters: Uncertain significance (3); Benign (2); Likely benign (4). 3 of the submissions do not count toward it. Last evaluated 2026-09-01.

Conditions:
CDH23-related disorder. Also called: CDH23-related disorders; CDH23-related condition.
Usher syndrome type 1 (USH1). Also called: RETINITIS PIGMENTOSA AND CONGENITAL DEAFNESS. Identifiers: Orphanet 231169, Orphanet 886, MedGen C1568247, MONDO:0010168, OMIM 276900.
Autosomal recessive nonsyndromic hearing loss 12. Also called: DEAFNESS, AUTOSOMAL RECESSIVE 12. Identifiers: Orphanet 90636, MedGen C1832394, MONDO:0011067, OMIM 601386.
Usher syndrome type 1D (USH1D). Also called: USHER SYNDROME, TYPE ID. Identifiers: Orphanet 231169, Orphanet 886, MedGen C1832845, MONDO:0010984, OMIM 601067.

Allele frequency attached by ClinVar (database versions not stated): gnomAD 0.00193 and 0.00176; gnomAD exomes 0.00144 and 0.00225; ESP Exome Variant Server 0.00204; 1000 Genomes Project 0.00080; ExAC 0.00140; TOPMed 0.00199; 1000 Genomes Project 30x 0.00078.
gnomAD v4.1: 3,538 of 1,613,984 alleles (0.22%); highest among the groups gnomAD compares: Non-Finnish European, 0.27%; 5 homozygotes.

Submissions (12):

CeGaT Center for Human Genetics Tuebingen
Classification: Likely benign. Last evaluated: 2026-09-01. Review status: criteria provided, single submitter. Criteria: CeGaT Center For Human Genetics Tuebingen Variant Classification Criteria Version 2. Collection method: clinical testing. Allele origin: germline. Affected: yes. Observed: 9 variant alleles.
Comment: CDH23: BP4, BP7

Labcorp Genetics (formerly Invitae), Labcorp
Classification: Likely benign. Last evaluated: 2026-02-01. Review status: criteria provided, single submitter. Criteria: Invitae Variant Classification Sherloc (09022015). Collection method: clinical testing. Allele origin: germline.

PreventionGenetics, part of Exact Sciences
Classification: Likely benign for CDH23-related condition. Last evaluated: 2026-02-01. Review status: criteria provided, single submitter. Criteria: ACMG Guidelines, 2015. Collection method: clinical testing. Allele origin: germline.
Comment: This variant is classified as likely benign based on ACMG/AMP sequence variant interpretation guidelines (Richards et al. 2015 PMID: 25741868, with internal and published modifications).

Blueprint Genetics
Classification: Likely benign. Last evaluated: 2024-11-18. Review status: criteria provided, single submitter. Criteria: ACMG Guidelines, 2015. Collection method: clinical testing. Allele origin: germline.

Illumina Laboratory Services, Illumina
Classification: Uncertain significance for Autosomal recessive nonsyndromic hearing loss 12. Last evaluated: 2017-04-27. Review status: criteria provided, single submitter. Criteria: ICSL Variant Classification Criteria 13 December 2019. Collection method: clinical testing. Allele origin: germline.

Illumina Laboratory Services, Illumina
Classification: Uncertain significance for Usher syndrome type 1D. Last evaluated: 2017-04-27. Review status: criteria provided, single submitter. Criteria: ICSL Variant Classification Criteria 13 December 2019. Collection method: clinical testing. Allele origin: germline.
Comment: This variant was observed as part of a predisposition screen in an ostensibly healthy population. A literature search was performed for the gene, cDNA change, and amino acid change (where applicable). Publications were found based on this search. However, the evidence from the literature, in combination with allele frequency data from public databases where available, was not sufficient to rule this variant in or out of causing disease. Therefore, this variant is classified as a variant of unknown significance.

Eurofins Ntd Llc (ga)
Classification: Uncertain significance. Last evaluated: 2015-01-26. Review status: criteria provided, single submitter. Criteria: EGL Classification Definitions 2015. Collection method: clinical testing. Allele origin: germline. Observed: 3 variant alleles, 3 heterozygotes.

Laboratory for Molecular Medicine, Mass General Brigham Personalized Medicine
Classification: Benign. Last evaluated: 2014-06-03. Review status: criteria provided, single submitter. Criteria: LMM Criteria. Collection method: clinical testing. Allele origin: germline. Observed: 9 variant alleles.
Comment: Thr1267Thr in Exon 32A of CDH23: This variant is not expected to have clinical s ignificance because it does not alter an amino acid residue, is not located with in the splice consensus sequence, and has been identified in 0.3% (25/8476) of E uropean American chromosomes from a broad population by the NHLBI Exome Sequenci ng Project (dbSNP rs56107171), and in 1.2% (3/ 255) of hispanic chromosomes (CLM, IBS, PUR) by the 1000 Genomes Project.

GeneDx
Classification: Benign. Last evaluated: 2013-03-27. Review status: criteria provided, single submitter. Criteria: GeneDx Variant Classification (06012015). Collection method: clinical testing. Allele origin: germline. Affected: yes.
Comment: This variant is considered likely benign or benign based on one or more of the following criteria: it is a conservative change, it occurs at a poorly conserved position in the protein, it is predicted to be benign by multiple in silico algorithms, and/or has population frequency not consistent with disease.

Natera, Inc.
Classification: Likely benign for Usher syndrome type 1. Last evaluated: 2019-12-29. Review status: no assertion criteria provided. Collection method: clinical testing. Allele origin: germline. Not counted in ClinVar's aggregate classification.

Clinical Genetics DNA and cytogenetics Diagnostics Lab, Erasmus MC, Erasmus Medical Center
Classification: Benign. Review status: no assertion criteria provided. Collection method: clinical testing. Allele origin: germline. Affected: yes. Study: VKGL Data-share Consensus. Not counted in ClinVar's aggregate classification.

Joint Genome Diagnostic Labs from Nijmegen and Maastricht, Radboudumc and MUMC+
Classification: Benign. Review status: no assertion criteria provided. Collection method: clinical testing. Allele origin: germline. Affected: yes. Study: VKGL Data-share Consensus. Not counted in ClinVar's aggregate classification.

Literature cited by the submitters: PubMed 18429043 (cited by 3 submitters).

NM_022124.6(CDH23):c.3801C>T (p.Thr1267=)

Genes: C10orf105 (chromosome 10 open reading frame 105; minus strand), CDH23 (cadherin related 23; plus strand). Cytogenetic location: 10q22.1.
Variant type: single nucleotide variant.
Coding change: c.3801C>T on transcript NM_022124.6 (MANE Select); coding-DNA position 3801, C replaced by T.
Protein change: p.Thr1267=; no amino-acid change (threonine 1267 retained).
Molecular consequence: synonymous variant. On other transcripts: intron variant (1).
Genome position (GRCh38, 1-based): chr10:71,732,072, C>T. VCF-style: chr10-71732072-C-T. GRCh37 (hg19) VCF-style: chr10-73491829-C-T.
Other names: p.T1267T:ACC>ACT; c.3801C>T, p.Thr1267= (NM_001171930.2); c.-6+5656G>A (NM_001168390.2).
Identifiers: ClinVar variation 45930 (VCV000045930.61), dbSNP rs56107171, ClinGen allele CA137393.